The following is an entry in ClinVar:

ClinVar aggregate classification (germline): Benign/Likely benign. Review status: criteria provided, multiple submitters, no conflicts (2 of 4 stars). 5 submissions from 5 submitters: Benign (2); Likely benign (3). Last evaluated 2026-08-17.

Conditions:
TENM4-related disorder. Also called: TENM4-related condition.

Allele frequency attached by ClinVar (database versions not stated): 1000 Genomes Project 30x 0.00125; gnomAD 0.00133 and 0.00140; TOPMed 0.00136; gnomAD exomes 0.00149 and 0.00162; ESP Exome Variant Server 0.00153; 1000 Genomes Project 0.00160; ExAC 0.00171.
gnomAD v4.1: 2,412 of 1,614,036 alleles (0.15%); highest among the groups gnomAD compares: Middle Eastern, 0.92%; 11 homozygotes.

Submissions (5):

PreventionGenetics, part of Exact Sciences
Classification: Likely benign for TENM4-related condition. Last evaluated: 2026-08-17. Review status: criteria provided, single submitter. Criteria: ACMG Guidelines, 2015. Collection method: clinical testing. Allele origin: germline.
Comment: This variant is classified as likely benign based on ACMG/AMP sequence variant interpretation guidelines (Richards et al. 2015 PMID: 25741868, with internal and published modifications).

CeGaT Center for Human Genetics Tuebingen
Classification: Likely benign. Last evaluated: 2026-02-01. Review status: criteria provided, single submitter. Criteria: CeGaT Center For Human Genetics Tuebingen Variant Classification Criteria Version 2. Collection method: clinical testing. Allele origin: germline. Affected: yes. Observed: 6 variant alleles.
Comment: TENM4: BP4, BP7

Blueprint Genetics
Classification: Likely benign. Last evaluated: 2024-11-25. Review status: criteria provided, single submitter. Criteria: ACMG Guidelines, 2015. Collection method: clinical testing. Allele origin: germline.

Labcorp Genetics (formerly Invitae), Labcorp
Classification: Benign. Last evaluated: 2018-05-08. Review status: criteria provided, single submitter. Criteria: Invitae Variant Classification Sherloc (09022015). Collection method: clinical testing. Allele origin: germline.

Breakthrough Genomics
Classification: Benign. Review status: criteria provided, single submitter. Criteria: ACMG Guidelines, 2015. Collection method: not provided. Allele origin: germline. Inheritance: Autosomal dominant inheritance. Affected: yes.

NM_001098816.3(TENM4):c.3663C>T (p.Asn1221=)

Gene: TENM4 (teneurin transmembrane protein 4; minus strand). Cytogenetic location: 11q14.1.
Variant type: single nucleotide variant.
Coding change: c.3663C>T on transcript NM_001098816.3 (MANE Select); coding-DNA position 3663, C replaced by T.
Protein change: p.Asn1221=; no amino-acid change (asparagine 1221 retained).
Molecular consequence: synonymous variant.
Genome position (GRCh38, 1-based): chr11:78,722,805, G>A on the plus strand (C>T on the coding strand, the complement: TENM4 is on the minus strand). VCF-style: chr11-78722805-G-A. GRCh37 (hg19) VCF-style: chr11-78433850-G-A.
Identifiers: ClinVar variation 722724 (VCV000722724.30), dbSNP rs181990145, ClinGen allele CA6206996.
Genomic context (GRCh38, chr11:78,722,805, plus strand): 5'-CCCGTCAGAGCCACAGGTGAGGGCCACTGGGGCCAGGAGCTTGTTGCCGTCAGCAAGGCC[G>A]TTGCAGCTGGGGCAGGAGATGCTTCTCCGGCGCCCATTGCCCATGATGCTCCCAATGACA-3'
Protein context (NP_001092286.2, residues 1211-1231): RRRSISCPSC[Asn1221=]GLADGNKLLA